The following is an entry in ClinVar:

NM_032638.5(GATA2):c.593del (p.Ala198fs)

Gene: GATA2 (GATA binding protein 2; minus strand). Cytogenetic location: 3q21.3.
Variant type: Deletion.
Coding change: c.593del on transcript NM_032638.5 (MANE Select); coding-DNA position 593, one base deleted (C; older notation c.593delC).
Protein change: p.Ala198fs; shifts the reading frame from alanine 198.
Molecular consequence: frameshift variant.
Genome position (GRCh38, 1-based): chr3:128,486,005, G deleted on the plus strand (C on the coding strand, the reverse complement: GATA2 is on the minus strand). VCF-style (leftmost placement, unchanged base first): chr3-128486004-CG-C. GRCh37 (hg19) VCF-style: chr3-128204847-CG-C.
Other names: c.593del, p.Ala198fs (NM_001145661.2, NM_001145662.1); short protein forms A198fs.
Identifiers: ClinVar variation 1184212 (VCV001184212.1), dbSNP rs2107672306, ClinGen allele CA1139532788.
Genomic context (GRCh38, chr3:128,486,004, plus strand): 5'-CGTCAGTGACACCTGGTACTTGACGCCGTCCTTGTCCTCTCCTCGGGCTGCACTACCCCC[CG>C]CGGAAGATGAGGCTGGAGACGCAGCCCCCGTGGTGCTAGGGTCAGGAGACACTTCTTTGG-3'

ClinVar aggregate classification (germline): Pathogenic (1 of 4 stars; one submission).

Conditions:
Deafness-lymphedema-leukemia syndrome. Also called: Emberger syndrome; Lymphedema, primary, with myelodysplasia. Identifiers: Orphanet 3226, MedGen C3279664, MONDO:0013540, OMIM 614038.
GATA2 deficiency with susceptibility to MDS/AML. Identifiers: MedGen CN300066, MONDO:0042982.

Submission:

Molecular Pathology Research Laboratory, SA Pathology
Classification: Pathogenic for GATA2 deficiency with susceptibility to MDS/AML; Deafness-lymphedema-leukemia syndrome. Last evaluated: 2021-07-06. Review status: criteria provided, single submitter. Criteria: ACMG Guidelines, 2015. Collection method: curation. Allele origin: unknown. Inheritance: Autosomal dominant inheritance. Affected: yes. Observed: 1 variant allele.
Comment: PVS1, PS4_Supporting, PM2

Literature cited by the submitters: PubMed 30564229.